The following is an entry in ClinVar:

NC_000023.10:g.(?_152770090)_(152773903_?)dup

Gene: BGN (biglycan; plus strand). Cytogenetic location: Xq28.
Variant type: Duplication.
Identifiers: ClinVar variation 1448350 (VCV001448350.5).

ClinVar aggregate classification (germline): Uncertain significance (1 of 4 stars; one submission).

Submission:

Labcorp Genetics (formerly Invitae), Labcorp
Classification: Uncertain significance. Last evaluated: 2024-01-16. Review status: criteria provided, single submitter. Criteria: Invitae Variant Classification Sherloc (09022015). Collection method: clinical testing. Allele origin: germline.
Comment: A copy number gain of the genomic region encompassing the full coding sequence of the BGN gene has been identified. The boundaries of this event are unknown as they extend beyond the assayed region for this gene and therefore may encompass additional genes. As the precise location of this event is unknown, it may be in tandem or it may be located elsewhere in the genome. This variant has not been reported in the literature in individuals affected with BGN-related conditions. In summary, the available evidence is currently insufficient to determine the role of this variant in disease. Therefore, it has been classified as a Variant of Uncertain Significance.